The following is an entry in ClinVar:

NM_000492.4(CFTR):c.1585-2A>G

Genes: CFTR (CF transmembrane conductance regulator; plus strand), LOC111674475 (CFTR intron 11 enhancer; plus strand). Cytogenetic location: 7q31.2.
Variant type: single nucleotide variant.
Coding change: c.1585-2A>G on transcript NM_000492.4 (MANE Select); the canonical splice acceptor site of the intron before coding-DNA position 1585, A replaced by G.
Molecular consequence: splice acceptor variant.
Genome position (GRCh38, 1-based): chr7:117,587,737, A>G. VCF-style: chr7-117587737-A-G. GRCh37 (hg19) VCF-style: chr7-117227791-A-G.
Other names: 1717-2A>G.
Identifiers: ClinVar variation 53290 (VCV000053290.8), dbSNP rs397508233, ClinGen allele CA326543.

ClinVar aggregate classification (germline): Pathogenic/Likely pathogenic. Review status: criteria provided, multiple submitters, no conflicts (2 of 4 stars). 6 submissions from 6 submitters: Pathogenic (3); Likely pathogenic (1). 2 of the submissions do not count toward it. Last evaluated 2023-07-07.

Conditions:
CFTR-related disorder (CFTR-RD). Also called: CFTR-related disorders; CFTR-related condition. Identifiers: MedGen C5924204, MONDO:7770004.
Cystic fibrosis (CF). Also called: MUCOVISCIDOSIS. Identifiers: Orphanet 586, MedGen C0010674, MONDO:0009061, OMIM 219700. Disease mechanism: loss of function.

Allele frequency attached by ClinVar (database versions not stated): TOPMed below 0.00001.

Submissions (6):

Labcorp Genetics (formerly Invitae), Labcorp
Classification: Pathogenic for Cystic fibrosis. Last evaluated: 2023-07-07. Review status: criteria provided, single submitter. Criteria: Invitae Variant Classification Sherloc (09022015). Collection method: clinical testing. Allele origin: germline.
Comment: This sequence change affects an acceptor splice site in intron 11 of the CFTR gene. It is expected to disrupt RNA splicing. Variants that disrupt the donor or acceptor splice site typically lead to a loss of protein function (PMID: 16199547), and loss-of-function variants in CFTR are known to be pathogenic (PMID: 1695717, 7691345, 9725922). This variant is not present in population databases (gnomAD no frequency). Disruption of this splice site has been observed in individual(s) with cystic fibrosis (PMID: 11788090). This variant is also known as 1717-2A>G. ClinVar contains an entry for this variant (Variation ID: 53290). Studies have shown that disruption of this splice site alters mRNA splicing and is expected to lead to the loss of protein expression (PMID: 25066652). For these reasons, this variant has been classified as Pathogenic.

Ambry Genetics
Classification: Likely pathogenic for Cystic fibrosis. Last evaluated: 2023-02-28. Review status: criteria provided, single submitter. Criteria: Ambry Variant Classification Scheme 2023. Collection method: clinical testing. Allele origin: germline.
Comment: The c.1585-2A>G intronic variant results from an A to G substitution two nucleotides upstream from coding exon 12 in the CFTR gene. This alteration has been identified in multiple individuals diagnosed with cystic fibrosis (Strandvik B et. al. Genet Test. 2001;5(3): 235-242; Frentescu L et al. J Cyst Fibros. 2008;7(5): 423-428; Silva IAL et al. Biochim Biophys Acta Mol Basis Dis, 2020 Nov;1866:165905). In multiple studies, this alteration resulted in skipping of exon 12 and retention of 6 nucleotides in intron 11 (Sharma N et al. Hum Mutat, 2014 Oct;35:1249-59; Silva IAL et al. Biochim Biophys Acta Mol Basis Dis 2020 11;1866(11):165905). Of note, this alteration is also known as 1717-2A>G in published literature. This variant is considered to be rare based on population cohorts in the Genome Aggregation Database (gnomAD). This nucleotide position is highly conserved in available vertebrate species. In silico splice site analysis predicts that this alteration will weaken the native splice acceptor site. Alterations that disrupt the canonical splice site are expected to cause aberrant splicing, resulting in an abnormal protein or a transcript that is subject to nonsense-mediated mRNA decay. As such, this alteration is classified as likely pathogenic.

Institute of Human Genetics, University of Leipzig Medical Center
Classification: Pathogenic for Cystic fibrosis. Last evaluated: 2022-09-05. Review status: criteria provided, single submitter. Criteria: ACMG Guidelines, 2015. Collection method: curation. Allele origin: unknown. Affected: yes. Observed: 1 variant allele.
Comment: The variant was classified in the context of a project re-classifying variants in the German Cystic Fibrosis Registry (Muko.e.V.). Criteria applied: PVS1, PS1_SUP, PS3_SUP, PM2_SUP, PM3 , PP4

Women's Health and Genetics/Laboratory Corporation of America, LabCorp
Classification: Pathogenic for Cystic fibrosis. Last evaluated: 2017-04-13. Review status: criteria provided, single submitter. Criteria: LabCorp Variant Classification Summary - May 2015. Collection method: clinical testing. Allele origin: germline.
Comment: Variant summary: The CFTR c.1585-2A>G variant involves the alteration of a conserved intronic nucleotide. One in silico tool predicts a damaging outcome for this variant. 5/5 splice prediction tools predict the complete loss of a canonical splice acceptor site. Functional studies have confirmed the aberrant splicing caused by this variant which includes both the retention of six intronic nucleotides and the skipping of exon 12 (Sharma_2014). This variant is absent in 120436 control chromosomes, and has been reported in CF patients in the literature. Taken together, this variant is classified as pathogenic.

Natera, Inc.
Classification: Pathogenic for CFTR-related disorders. Last evaluated: 2017-03-17. Review status: no assertion criteria provided. Collection method: clinical testing. Allele origin: germline. Not counted in ClinVar's aggregate classification.

ClinVar Staff, National Center for Biotechnology Information (NCBI)
No classification provided. Condition: CFTR-related disorders. Review status: no classification provided. Collection method: literature only. Allele origin: germline. Affected: yes. Not counted in ClinVar's aggregate classification.

Literature cited by the submitters: PubMed 16199547 (cited by Labcorp Genetics (formerly Invitae), Labcorp); PubMed 1695717 (cited by Labcorp Genetics (formerly Invitae), Labcorp); PubMed 7691345 (cited by Labcorp Genetics (formerly Invitae), Labcorp); PubMed 9725922 (cited by Labcorp Genetics (formerly Invitae), Labcorp); PubMed 11788090 (cited by Labcorp Genetics (formerly Invitae), Labcorp and Women's Health and Genetics/Laboratory Corporation of America, LabCorp); PubMed 25066652 (cited by 3 submitters); PubMed 32730979 (cited by Ambry Genetics); PubMed 18467194 (cited by Women's Health and Genetics/Laboratory Corporation of America, LabCorp); PubMed 18497194 (cited by ClinVar Staff, National Center for Biotechnology Information (NCBI)).